The following is an entry in ClinVar:

NM_005560.6(LAMA5):c.7211G>A (p.Arg2404His)

Gene: LAMA5 (laminin subunit alpha 5; minus strand). Cytogenetic location: 20q13.33.
Variant type: single nucleotide variant.
Coding change: c.7211G>A on transcript NM_005560.6 (MANE Select); coding-DNA position 7211, G replaced by A.
Protein change: p.Arg2404His; replaces arginine 2404 with histidine.
Molecular consequence: missense variant.
Genome position (GRCh38, 1-based): chr20:62,318,482, C>T on the plus strand (G>A on the coding strand, the complement: LAMA5 is on the minus strand). VCF-style: chr20-62318482-C-T. GRCh37 (hg19) VCF-style: chr20-60893538-C-T.
Other names: c.7211G>A (NM_005560.4); short protein forms R2404H.
Identifiers: ClinVar variation 1675863 (VCV001675863.40), dbSNP rs144740011, ClinGen allele CA9941376.

ClinVar aggregate classification (germline): Conflicting classifications of pathogenicity. Review status: criteria provided, conflicting classifications (1 of 4 stars). 4 submissions from 4 submitters: Uncertain significance (2); Likely benign (1). 1 of the submissions does not count toward it. Last evaluated 2025-12-22.

Conditions:
LAMA5-related disorder. Also called: LAMA5-Related Disorders; LAMA5-related condition.

Allele frequency attached by ClinVar (database versions not stated): 1000 Genomes Project 30x 0.00031; 1000 Genomes Project 0.00040; ESP Exome Variant Server 0.00062.
gnomAD v4.1: 1,080 of 1,603,874 alleles (0.067%); highest among the groups gnomAD compares: South Asian, 0.21%; 2 homozygotes.

Submissions (4):

Labcorp Genetics (formerly Invitae), Labcorp
Classification: Likely benign. Last evaluated: 2025-12-22. Review status: criteria provided, single submitter. Criteria: Invitae Variant Classification Sherloc (09022015). Collection method: clinical testing. Allele origin: germline.

CeGaT Center for Human Genetics Tuebingen
Classification: Uncertain significance. Last evaluated: 2022-02-01. Review status: criteria provided, single submitter. Criteria: CeGaT Center For Human Genetics Tuebingen Variant Classification Criteria Version 2. Collection method: clinical testing. Allele origin: germline. Affected: yes. Observed: 1 variant allele.

Breakthrough Genomics
Classification: Uncertain significance. Review status: criteria provided, single submitter. Criteria: ACMG Guidelines, 2015. Collection method: not provided. Allele origin: germline. Inheritance: Autosomal dominant inheritance. Affected: yes.

PreventionGenetics, part of Exact Sciences
Classification: Likely benign for LAMA5-related condition. Last evaluated: 2022-07-08. Review status: no assertion criteria provided. Collection method: clinical testing. Allele origin: germline. Not counted in ClinVar's aggregate classification.
Comment: This variant is classified as likely benign based on ACMG/AMP sequence variant interpretation guidelines (Richards et al. 2015 PMID: 25741868, with internal and published modifications).